The following is an entry in ClinVar:

NM_000421.5(KRT10):c.1464C>G (p.Gly488=)

Gene: KRT10 (keratin 10; minus strand). Cytogenetic location: 17q21.2.
Variant type: single nucleotide variant.
Coding change: c.1464C>G on transcript NM_000421.5 (MANE Select); coding-DNA position 1464, C replaced by G.
Protein change: p.Gly488=; no amino-acid change (glycine 488 retained).
Molecular consequence: synonymous variant.
Genome position (GRCh38, 1-based): chr17:40,819,071, G>C on the plus strand (C>G on the coding strand, the complement: KRT10 is on the minus strand). VCF-style: chr17-40819071-G-C. GRCh37 (hg19) VCF-style: chr17-38975323-G-C.
Other names: c.1464C>G, p.Gly488= (NM_001379366.1).
Identifiers: ClinVar variation 3905392 (VCV003905392.10).

ClinVar aggregate classification (germline): Likely benign (1 of 4 stars; one submission).

Submission:

CeGaT Center for Human Genetics Tuebingen
Classification: Likely benign. Last evaluated: 2025-06-01. Review status: criteria provided, single submitter. Criteria: CeGaT Center For Human Genetics Tuebingen Variant Classification Criteria Version 2. Collection method: clinical testing. Allele origin: germline. Affected: yes. Observed: 1 variant allele.
Comment: KRT10: PM2:Supporting, BP4, BP7